The following is an entry in ClinVar:

NM_019074.4(DLL4):c.1357G>A (p.Gly453Ser)

Gene: DLL4 (delta like canonical Notch ligand 4; plus strand). Cytogenetic location: 15q15.1.
Variant type: single nucleotide variant.
Coding change: c.1357G>A on transcript NM_019074.4 (MANE Select); coding-DNA position 1357, G replaced by A.
Protein change: p.Gly453Ser; replaces glycine 453 with serine.
Molecular consequence: missense variant.
Genome position (GRCh38, 1-based): chr15:40,936,344, G>A. VCF-style: chr15-40936344-G-A. GRCh37 (hg19) VCF-style: chr15-41228542-G-A.
Other names: short protein forms G453S.
Identifiers: ClinVar variation 2844424 (VCV002844424.3), dbSNP rs2542549145, ClinGen allele CA391780626.

ClinVar aggregate classification (germline): Uncertain significance (1 of 4 stars; one submission).

Submission:

Labcorp Genetics (formerly Invitae), Labcorp
Classification: Uncertain significance. Last evaluated: 2024-10-30. Review status: criteria provided, single submitter. Criteria: Invitae Variant Classification Sherloc (09022015). Collection method: clinical testing. Allele origin: germline.
Comment: This sequence change replaces glycine, which is neutral and non-polar, with serine, which is neutral and polar, at codon 453 of the DLL4 protein (p.Gly453Ser). This variant is not present in population databases (gnomAD no frequency). This variant has not been reported in the literature in individuals affected with DLL4-related conditions. ClinVar contains an entry for this variant (Variation ID: 2844424). Invitae Evidence Modeling of protein sequence and biophysical properties (such as structural, functional, and spatial information, amino acid conservation, physicochemical variation, residue mobility, and thermodynamic stability) indicates that this missense variant is not expected to disrupt DLL4 protein function with a negative predictive value of 80%. In summary, the available evidence is currently insufficient to determine the role of this variant in disease. Therefore, it has been classified as a Variant of Uncertain Significance.